The following is an entry in ClinVar:

ClinVar aggregate classification (germline): Uncertain significance (1 of 4 stars; one submission).

Submission:

Labcorp Genetics (formerly Invitae), Labcorp
Classification: Uncertain significance. Last evaluated: 2023-11-18. Review status: criteria provided, single submitter. Criteria: Invitae Variant Classification Sherloc (09022015). Collection method: clinical testing. Allele origin: germline.
Comment: This sequence change replaces leucine, which is neutral and non-polar, with proline, which is neutral and non-polar, at codon 111 of the GABRA2 protein (p.Leu111Pro). This variant is not present in population databases (gnomAD no frequency). This variant has not been reported in the literature in individuals affected with GABRA2-related conditions. An algorithm developed to predict the effect of missense changes on protein structure and function (PolyPhen-2) suggests that this variant is likely to be disruptive. In summary, the available evidence is currently insufficient to determine the role of this variant in disease. Therefore, it has been classified as a Variant of Uncertain Significance.

NM_000807.4(GABRA2):c.332T>C (p.Leu111Pro)

Gene: GABRA2 (gamma-aminobutyric acid type A receptor subunit alpha2; minus strand). Cytogenetic location: 4p12.
Variant type: single nucleotide variant.
Coding change: c.332T>C on transcript NM_000807.4 (MANE Select); coding-DNA position 332, T replaced by C.
Protein change: p.Leu111Pro; replaces leucine 111 with proline.
Molecular consequence: missense variant.
Genome position (GRCh38, 1-based): chr4:46,312,640, A>G on the plus strand (T>C on the coding strand, the complement: GABRA2 is on the minus strand). VCF-style: chr4-46312640-A-G. GRCh37 (hg19) VCF-style: chr4-46314657-A-G.
Other names: c.332T>C, p.Leu111Pro (NM_001377147.1, NM_001377148.1, NM_001377149.1 and 8 more transcripts); c.167T>C, p.Leu56Pro (NM_001377152.1, NM_001377153.1, NM_001377154.1 and 1 more transcripts); short protein forms L56P, L111P.
Identifiers: ClinVar variation 2697103 (VCV002697103.3), dbSNP rs2475692894, ClinGen allele CA356800111.
Genomic context (GRCh38, chr4:46,312,640, plus strand): 5'-CCATTGTGAAAAAAGGTATCTGGAGTCCAGATTTTGCTAGCCATTAAATTGTTTAGTCGA[A>G]GGATATTCATAGGACCTTTAAATTTTAAACGTTCATCTTTCCATTTTTGTCGAAAGAAAA-3'
Protein context (NP_000798.2, residues 101-121): RLKFKGPMNI[Leu111Pro]RLNNLMASKI